The following is an entry in ClinVar:

ClinVar aggregate classification (germline): Uncertain significance. Review status: criteria provided, multiple submitters, no conflicts (2 of 4 stars). 3 submissions from 3 submitters: Uncertain significance (3). Last evaluated 2026-03-17.

Conditions:
DST-related disorder. Also called: DST-related condition; DST-related disorders.
Epidermolysis bullosa simplex 3, localized or generalized intermediate, with BP230 deficiency (EBS3). Also called: Epidermolysis bullosa simplex, autosomal recessive 2; Epidermolysis bullosa simplex due to BP230 deficiency. Identifiers: Orphanet 412181, MedGen C3809470, MONDO:0014180, OMIM 615425.
Hereditary sensory and autonomic neuropathy type 6. Also called: HSAN VI; Neuropathy, hereditary sensory and autonomic, type VI. Identifiers: Orphanet 314381, MedGen C3539003, MONDO:0013839, OMIM 614653.

Allele frequency attached by ClinVar (database versions not stated): ExAC 0.00007; gnomAD exomes 0.00010; gnomAD 0.00011; TOPMed 0.00011; ESP Exome Variant Server 0.00015; 1000 Genomes Project 30x 0.00016; 1000 Genomes Project 0.00020.
gnomAD v4.1: 175 of 1,614,180 alleles (0.011%); highest among the groups gnomAD compares: Middle Eastern, 0.033%; no homozygotes.

Submissions (3):

PreventionGenetics, part of Exact Sciences
Classification: Uncertain significance for DST-related condition. Last evaluated: 2026-03-17. Review status: criteria provided, single submitter. Criteria: ACMG Guidelines, 2015. Collection method: clinical testing. Allele origin: germline.
Comment: The DST c.4830+4215A>G variant is predicted to interfere with splicing. This variant can also be referred to as c.3719A>G (p.Asn1240Ser) with the epithelial specific isoform, NM_001723. To our knowledge, this variant has not been reported in the literature. This variant is reported in 0.023% of alleles in individuals of Latino descent in gnomAD. At this time, the clinical significance of this variant is uncertain due to the absence of conclusive functional and genetic evidence.

Labcorp Genetics (formerly Invitae), Labcorp
Classification: Uncertain significance for Epidermolysis bullosa simplex 3, localized or generalized intermediate, with BP230 deficiency; Hereditary sensory and autonomic neuropathy type 6. Last evaluated: 2022-08-07. Review status: criteria provided, single submitter. Criteria: Invitae Variant Classification Sherloc (09022015). Collection method: clinical testing. Allele origin: germline.
Comment: This sequence change replaces asparagine, which is neutral and polar, with serine, which is neutral and polar, at codon 1240 of the DST protein (p.Asn1240Ser). This variant is present in population databases (rs200744603, gnomAD 0.03%). This variant has not been reported in the literature in individuals affected with DST-related conditions. ClinVar contains an entry for this variant (Variation ID: 474522). Algorithms developed to predict the effect of missense changes on protein structure and function (SIFT, PolyPhen-2, Align-GVGD) all suggest that this variant is likely to be tolerated. Algorithms developed to predict the effect of sequence changes on RNA splicing suggest that this variant may create or strengthen a splice site. In summary, the available evidence is currently insufficient to determine the role of this variant in disease. Therefore, it has been classified as a Variant of Uncertain Significance.

Mayo Clinic Laboratories, Mayo Clinic
Classification: Uncertain significance. Last evaluated: 2022-04-19. Review status: criteria provided, single submitter. Criteria: ACMG Guidelines, 2015. Collection method: clinical testing. Allele origin: germline. Observed: 3 variant alleles.

NM_001723.7(DST):c.3719A>G (p.Asn1240Ser)

Gene: DST (dystonin; minus strand). Cytogenetic location: 6p12.1.
Variant type: single nucleotide variant.
Coding change: c.3719A>G on transcript NM_001723.7 (MANE Plus Clinical); coding-DNA position 3719, A replaced by G.
Protein change: p.Asn1240Ser; replaces asparagine 1240 with serine.
Molecular consequence: missense variant. On other transcripts: intron variant (10).
Genome position (GRCh38, 1-based): chr6:56,620,315, T>C on the plus strand (A>G on the coding strand, the complement: DST is on the minus strand). VCF-style: chr6-56620315-T-C. GRCh37 (hg19) VCF-style: chr6-56485113-T-C.
Other names: p.Asn1240Ser; c.4830+4215A>G (NM_001144769.2, NM_001144769.5); c.4929+4215A>G (NM_001374722.1, NM_001374736.1); c.4956+4215A>G (NM_001374734.1); c.4416+4215A>G (NM_001144770.2); c.4296+4215A>G (NM_001374730.1, NM_001386100.1, NM_183380.4 and 1 more transcripts); c.3318+4215A>G (NM_015548.5); short protein forms N1240S.
Identifiers: ClinVar variation 474522 (VCV000474522.8), dbSNP rs200744603, ClinGen allele CA3870659.